The following is an entry in ClinVar:

ClinVar aggregate classification (germline): Uncertain significance (1 of 4 stars; one submission).

Conditions:
DICER1-related tumor predisposition. Also called: DICER1-related pleuropulmonary blastoma cancer predisposition syndrome; DICER1 syndrome. Identifiers: Orphanet 284343, MedGen C3839822, MONDO:0100216.

gnomAD v4.1: 1 of 1,612,372 alleles (0.000062%); highest among the groups gnomAD compares: Non-Finnish European, 0.000085%; no homozygotes.

Submission:

Labcorp Genetics (formerly Invitae), Labcorp
Classification: Uncertain significance for DICER1-related tumor predisposition. Last evaluated: 2020-02-13. Review status: criteria provided, single submitter. Criteria: Invitae Variant Classification Sherloc (09022015). Collection method: clinical testing. Allele origin: germline.
Comment: In summary, the available evidence is currently insufficient to determine the role of this variant in disease. Therefore, it has been classified as a Variant of Uncertain Significance. Algorithms developed to predict the effect of missense changes on protein structure and function (SIFT, PolyPhen-2, Align-GVGD) all suggest that this variant is likely to be tolerated, but these predictions have not been confirmed by published functional studies and their clinical significance is uncertain. This variant has not been reported in the literature in individuals with DICER1-related conditions. This variant is not present in population databases (ExAC no frequency). This sequence change replaces aspartic acid with glutamic acid at codon 305 of the DICER1 protein (p.Asp305Glu). The aspartic acid residue is highly conserved and there is a small physicochemical difference between aspartic acid and glutamic acid.

NM_177438.3(DICER1):c.915C>A (p.Asp305Glu)

Gene: DICER1 (dicer 1, ribonuclease III; minus strand). Cytogenetic location: 14q32.13.
Variant type: single nucleotide variant.
Coding change: c.915C>A on transcript NM_177438.3 (MANE Select); coding-DNA position 915, C replaced by A.
Protein change: p.Asp305Glu; replaces aspartic acid 305 with glutamic acid.
Molecular consequence: missense variant.
Genome position (GRCh38, 1-based): chr14:95,124,657, G>T on the plus strand (C>A on the coding strand, the complement: DICER1 is on the minus strand). VCF-style: chr14-95124657-G-T. GRCh37 (hg19) VCF-style: chr14-95590994-G-T.
Other names: c.915C>A, p.Asp305Glu (NM_001195573.1, NM_001271282.3, NM_001291628.2 and 1 more transcripts); short protein forms D305E.
Identifiers: ClinVar variation 1014377 (VCV001014377.10), dbSNP rs886050944, ClinGen allele CA390887379.
Genomic context (GRCh38, chr14:95,124,657, plus strand): 5'-CATCATTCCAGCTACTTTATCTGCACACCAGGGTCCCAGAACTACCAATACGGCACGACA[G>T]TCTGATAGTATCTACAAAAAAAAGAAAAGAAAAAACCTAATGCCAAATAATAATAATGTA-3'
Protein context (NP_803187.1, residues 295-315): STLISKQILS[Asp305Glu]CRAVLVVLGP